The following is an entry in ClinVar:

NM_000195.5(HPS1):c.1951C>T (p.Arg651Cys)

Gene: HPS1 (HPS1 biogenesis of lysosomal organelles complex 3 subunit 1; minus strand). Cytogenetic location: 10q24.2.
Variant type: single nucleotide variant.
Coding change: c.1951C>T on transcript NM_000195.5 (MANE Select); coding-DNA position 1951, C replaced by T.
Protein change: p.Arg651Cys; replaces arginine 651 with cysteine.
Molecular consequence: missense variant.
Genome position (GRCh38, 1-based): chr10:98,417,716, G>A on the plus strand (C>T on the coding strand, the complement: HPS1 is on the minus strand). VCF-style: chr10-98417716-G-A. GRCh37 (hg19) VCF-style: chr10-100177473-G-A.
Other names: c.1951C>T (NM_000195.4); c.979C>T, p.Arg327Cys (NM_001311345.2, NM_001322487.2, NM_001322489.2); c.1951C>T, p.Arg651Cys (NM_001322476.2, NM_001322477.2); c.1852C>T, p.Arg618Cys (NM_001322478.2, NM_001322479.2); c.1690C>T, p.Arg564Cys (NM_001322480.2, NM_001322481.2); c.1591C>T, p.Arg531Cys (NM_001322482.2); c.1582C>T, p.Arg528Cys (NM_001322483.2, NM_001322484.2); c.1483C>T, p.Arg495Cys (NM_001322485.2); short protein forms R531C, R651C, R495C, R564C, R327C, R528C, R618C.
Identifiers: ClinVar variation 878510 (VCV000878510.12), dbSNP rs375322422, ClinGen allele CA5638814.

ClinVar aggregate classification (germline): Uncertain significance. Review status: criteria provided, multiple submitters, no conflicts (2 of 4 stars). 5 submissions from 5 submitters: Uncertain significance (5). Last evaluated 2025-04-04.

Conditions:
HPS1-related disorder. Also called: HPS1-related condition.
Inborn genetic diseases. Identifiers: MedGen C0950123, MeSH D030342.
Hermansky-Pudlak syndrome 1 (HPS1). Also called: DELTA STORAGE POOL DISEASE. Identifiers: Orphanet 231500, Orphanet 79430, MedGen C2931875, MONDO:0008748, OMIM 203300.

Allele frequency attached by ClinVar (database versions not stated): ExAC 0.00004; ESP Exome Variant Server 0.00008; TOPMed 0.00008; gnomAD 0.00009.
gnomAD v4.1: 42 of 1,613,640 alleles (0.0026%); highest among the groups gnomAD compares: African/African-American, 0.019%; no homozygotes.

Submissions (5):

Ambry Genetics
Classification: Uncertain significance for Inborn genetic diseases. Last evaluated: 2025-04-04. Review status: criteria provided, single submitter. Criteria: Ambry Variant Classification Scheme 2023. Collection method: clinical testing. Allele origin: germline.

Fulgent Genetics
Classification: Uncertain significance for Hermansky-Pudlak syndrome 1. Last evaluated: 2024-03-18. Review status: criteria provided, single submitter. Criteria: ACMG Guidelines, 2015. Collection method: clinical testing. Allele origin: germline.

PreventionGenetics, part of Exact Sciences
Classification: Uncertain significance for HPS1-related condition. Last evaluated: 2023-07-18. Review status: criteria provided, single submitter. Criteria: ACMG Guidelines, 2015. Collection method: clinical testing. Allele origin: germline.
Comment: The HPS1 c.1951C>T variant is predicted to result in the amino acid substitution p.Arg651Cys. To our knowledge, this variant has not been reported in the literature. This variant is reported in 0.016% of alleles in individuals of African descent in gnomAD. At this time, the clinical significance of this variant is uncertain due to the absence of conclusive functional and genetic evidence.

Labcorp Genetics (formerly Invitae), Labcorp
Classification: Uncertain significance. Last evaluated: 2022-07-19. Review status: criteria provided, single submitter. Criteria: Invitae Variant Classification Sherloc (09022015). Collection method: clinical testing. Allele origin: germline.
Comment: This sequence change replaces arginine, which is basic and polar, with cysteine, which is neutral and slightly polar, at codon 651 of the HPS1 protein (p.Arg651Cys). The frequency data for this variant in the population databases is considered unreliable, as metrics indicate poor data quality at this position in the gnomAD database. This variant has not been reported in the literature in individuals affected with HPS1-related conditions. ClinVar contains an entry for this variant (Variation ID: 878510). Algorithms developed to predict the effect of missense changes on protein structure and function are either unavailable or do not agree on the potential impact of this missense change (SIFT: "Deleterious"; PolyPhen-2: "Probably Damaging"; Align-GVGD: "Class C0"). In summary, the available evidence is currently insufficient to determine the role of this variant in disease. Therefore, it has been classified as a Variant of Uncertain Significance.

Illumina Laboratory Services, Illumina
Classification: Uncertain significance for Hermansky-Pudlak syndrome 1. Last evaluated: 2018-01-12. Review status: criteria provided, single submitter. Criteria: ICSL Variant Classification Criteria 13 December 2019. Collection method: clinical testing. Allele origin: germline.